The following is an entry in ClinVar:

NM_000135.4(FANCA):c.857A>G (p.Gln286Arg)

Gene: FANCA (FA complementation group A; minus strand). Cytogenetic location: 16q24.3.
Variant type: single nucleotide variant.
Coding change: c.857A>G on transcript NM_000135.4 (MANE Select); coding-DNA position 857, A replaced by G.
Protein change: p.Gln286Arg; replaces glutamine 286 with arginine.
Molecular consequence: missense variant.
Genome position (GRCh38, 1-based): chr16:89,799,202, T>C on the plus strand (A>G on the coding strand, the complement: FANCA is on the minus strand). VCF-style: chr16-89799202-T-C. GRCh37 (hg19) VCF-style: chr16-89865610-T-C.
Other names: c.857A>G (LRG_495t1, NM_000135.3); c.857A>G, p.Gln286Arg (NM_001018112.3, NM_001286167.3); c.761A>G, p.Gln254Arg (NM_001351830.2); short protein forms Q286R, Q254R.
Identifiers: ClinVar variation 134238 (VCV000134238.32), dbSNP rs13336566, ClinGen allele CA159229.

ClinVar aggregate classification (germline): Conflicting classifications of pathogenicity. Review status: criteria provided, conflicting classifications (1 of 4 stars). 10 submissions from 10 submitters: Uncertain significance (1); Benign (1); Likely benign (5). 3 of the submissions do not count toward it. Last evaluated 2026-01-28.

Conditions:
FANCA-related disorder. Also called: FANCA-related condition.
Fanconi anemia (FA). Also called: Fanconi's anemia. Identifiers: Orphanet 84, MedGen C0015625, MeSH D005199, MONDO:0019391.
Fanconi anemia complementation group A (FANCA). Also called: Fanconi anemia, group A; FANCA-Related Fanconi Anemia. Identifiers: Orphanet 84, MedGen C3469521, MONDO:0009215, OMIM 227650.

Allele frequency attached by ClinVar (database versions not stated): gnomAD exomes 0.00023 and 0.00064; ExAC 0.00075; 1000 Genomes Project 0.00260; 1000 Genomes Project 30x 0.00265; gnomAD 0.00282 and 0.00303; TOPMed 0.00328; ESP Exome Variant Server 0.00292.
gnomAD v4.1: 766 of 1,614,102 alleles (0.047%); highest among the groups gnomAD compares: African/African-American, 0.95%; 4 homozygotes.

Submissions (10):

Labcorp Genetics (formerly Invitae), Labcorp
Classification: Benign for Fanconi anemia. Last evaluated: 2026-01-28. Review status: criteria provided, single submitter. Criteria: Invitae Variant Classification Sherloc (09022015). Collection method: clinical testing. Allele origin: germline.

ARUP Laboratories, Molecular Genetics and Genomics, ARUP Laboratories
Classification: Likely benign for Fanconi anemia complementation group A. Last evaluated: 2025-05-21. Review status: criteria provided, single submitter. Criteria: ARUP Molecular Germline Variant Investigation Process 2024. Collection method: clinical testing. Allele origin: germline.

KCCC/NGS Laboratory, Kuwait Cancer Control Center
Classification: Likely benign for Fanconi anemia complementation group A. Last evaluated: 2023-07-07. Review status: criteria provided, single submitter. Criteria: ACMG Guidelines, 2015. Collection method: clinical testing. Allele origin: germline. Affected: yes.

Mayo Clinic Laboratories, Mayo Clinic
Classification: Uncertain significance. Last evaluated: 2021-08-17. Review status: criteria provided, single submitter. Criteria: ACMG Guidelines, 2015. Collection method: clinical testing. Allele origin: germline.

Sema4
Classification: Likely benign for Fanconi anemia. Last evaluated: 2021-01-26. Review status: criteria provided, single submitter. Criteria: Sema4 Curation Guidelines. Collection method: curation. Allele origin: germline.

Illumina Laboratory Services, Illumina
Classification: Likely benign for Fanconi anemia complementation group A. Last evaluated: 2018-01-12. Review status: criteria provided, single submitter. Criteria: ICSL Variant Classification Criteria 13 December 2019. Collection method: clinical testing. Allele origin: germline.
Comment: This variant was observed in the ICSL laboratory as part of a predisposition screen in an ostensibly healthy population. It had not been previously curated by ICSL or reported in the Human Gene Mutation Database (HGMD: prior to June 1st, 2018), and was therefore a candidate for classification through an automated scoring system. Utilizing variant allele frequency, disease prevalence and penetrance estimates, and inheritance mode, an automated score was calculated to assess if this variant is too frequent to cause the disease. Based on the score and internal cut-off values, a variant classified as likely benign is not then subjected to further curation. The score for this variant resulted in a classification of likely benign for this disease.

Genetic Services Laboratory, University of Chicago
Classification: Likely benign. Last evaluated: 2016-03-10. Review status: criteria provided, single submitter. Criteria: ACMG Guidelines, 2015. Collection method: clinical testing. Allele origin: germline. Affected: no.

Natera, Inc.
Classification: Benign for Fanconi anemia, group A. Last evaluated: 2019-12-30. Review status: no assertion criteria provided. Collection method: clinical testing. Allele origin: germline. Not counted in ClinVar's aggregate classification.

PreventionGenetics, part of Exact Sciences
Classification: Likely benign for FANCA-related condition. Last evaluated: 2019-03-20. Review status: no assertion criteria provided. Collection method: clinical testing. Allele origin: germline. Not counted in ClinVar's aggregate classification.
Comment: This variant is classified as likely benign based on ACMG/AMP sequence variant interpretation guidelines (Richards et al. 2015 PMID: 25741868, with internal and published modifications).

ITMI
No classification provided. Condition: AllHighlyPenetrant. Last evaluated: 2013-09-19. Review status: no classification provided. Collection method: reference population. Allele origin: germline. Not counted in ClinVar's aggregate classification.
Comment: Please see associated publication for description of ethnicities

Literature cited by the submitters: PubMed 24728327 (cited by ITMI).